The following is an entry in ClinVar:

NM_184043.2(ALDOA):c.-88T>G

Genes: ALDOA (aldolase, fructose-bisphosphate A; plus strand), LOC112694756 (uncharaterized LOC112694756; plus strand). Cytogenetic location: 16p11.2.
Variant type: single nucleotide variant.
Coding change: c.-88T>G on transcript NM_184043.2; 88 bases upstream of the start codon, T replaced by G.
Molecular consequence: 5 prime UTR variant. On other transcripts: 3 prime UTR variant (3).
Genome position (GRCh38, 1-based): chr16:30,064,439, T>G. VCF-style: chr16-30064439-T-G. GRCh37 (hg19) VCF-style: chr16-30075760-T-G.
Other names: c.*422T>G (NM_001365304.2, NM_001365305.2, NM_001365307.2).
Identifiers: ClinVar variation 388656 (VCV000388656.3), dbSNP rs1026737159, ClinGen allele CA16607017.

ClinVar aggregate classification (germline): Likely benign (1 of 4 stars; one submission).

Allele frequency attached by ClinVar (database versions not stated): gnomAD 0.00001; 1000 Genomes Project 30x 0.00031.
gnomAD v4.1: 1 of 398,636 alleles (0.00025%); highest among the groups gnomAD compares: Admixed American, 0.0044%; no homozygotes.

Submission:

GeneDx
Classification: Likely benign. Last evaluated: 2016-08-25. Review status: criteria provided, single submitter. Criteria: GeneDx Variant Classification (06012015). Collection method: clinical testing. Allele origin: germline. Affected: yes.
Comment: This variant is considered likely benign or benign based on one or more of the following criteria: it is a conservative change, it occurs at a poorly conserved position in the protein, it is predicted to be benign by multiple in silico algorithms, and/or has population frequency not consistent with disease.